The following is an entry in ClinVar:

NM_002184.4(IL6ST):c.223C>T (p.Pro75Ser)

Gene: IL6ST (interleukin 6 cytokine family signal transducer; minus strand). Cytogenetic location: 5q11.2.
Variant type: single nucleotide variant.
Coding change: c.223C>T on transcript NM_002184.4 (MANE Select); coding-DNA position 223, C replaced by T.
Protein change: p.Pro75Ser; replaces proline 75 with serine.
Molecular consequence: missense variant. On other transcripts: 5 prime UTR variant (3), non-coding transcript variant (2), intron variant (1).
Genome position (GRCh38, 1-based): chr5:55,969,697, G>A on the plus strand (C>T on the coding strand, the complement: IL6ST is on the minus strand). VCF-style: chr5-55969697-G-A. GRCh37 (hg19) VCF-style: chr5-55265525-G-A.
Other names: c.223C>T, p.Pro75Ser (NM_001190981.2, NM_001364275.2, NM_175767.3); c.-570C>T (NM_001364277.2, NM_001364279.2); c.-560C>T (NM_001364278.2); c.160+63C>T (NM_001364276.2); short protein forms P75S.
Identifiers: ClinVar variation 4713309 (VCV004713309.1).

ClinVar aggregate classification (germline): Uncertain significance (1 of 4 stars; one submission).

gnomAD v4.1: 5 of 1,612,246 alleles (0.00031%); highest among the groups gnomAD compares: Non-Finnish European, 0.00042%; no homozygotes.

Submission:

Labcorp Genetics (formerly Invitae), Labcorp
Classification: Uncertain significance. Last evaluated: 2025-02-18. Review status: criteria provided, single submitter. Criteria: Invitae Variant Classification Sherloc (09022015). Collection method: clinical testing. Allele origin: germline.
Comment: This sequence change replaces proline, which is neutral and non-polar, with serine, which is neutral and polar, at codon 75 of the IL6ST protein (p.Pro75Ser). This variant is not present in population databases (gnomAD no frequency). This variant has not been reported in the literature in individuals affected with IL6ST-related conditions. An algorithm developed to predict the effect of missense changes on protein structure and function (PolyPhen-2) suggests that this variant is likely to be disruptive. In summary, the available evidence is currently insufficient to determine the role of this variant in disease. Therefore, it has been classified as a Variant of Uncertain Significance.